The following is an entry in ClinVar:

NM_000255.4(MMUT):c.656A>G (p.Asn219Ser)

Gene: MMUT (methylmalonyl-CoA mutase; minus strand). Cytogenetic location: 6p12.3.
Variant type: single nucleotide variant.
Coding change: c.656A>G on transcript NM_000255.4 (MANE Select); coding-DNA position 656, A replaced by G.
Protein change: p.Asn219Ser; replaces asparagine 219 with serine.
Molecular consequence: missense variant.
Genome position (GRCh38, 1-based): chr6:49,457,788, T>C on the plus strand (A>G on the coding strand, the complement: MMUT is on the minus strand). VCF-style: chr6-49457788-T-C. GRCh37 (hg19) VCF-style: chr6-49425501-T-C.
Other names: short protein forms N219S.
Identifiers: ClinVar variation 567826 (VCV000567826.9), dbSNP rs950211877, ClinGen allele CA138799604.

ClinVar aggregate classification (germline): Likely pathogenic. Review status: criteria provided, single submitter (1 of 4 stars). 2 submissions from 2 submitters: Likely pathogenic (1). 1 of the submissions does not count toward it. Last evaluated 2024-02-25.

Conditions:
Methylmalonic aciduria due to complete methylmalonyl-CoA mutase deficiency.

Allele frequency attached by ClinVar (database versions not stated): gnomAD exomes 0.00001; gnomAD 0.00001; TOPMed 0.00001.
gnomAD v4.1: 11 of 1,613,248 alleles (0.00068%); highest among the groups gnomAD compares: Admixed American, 0.0033%; no homozygotes.

Submissions (2):

Labcorp Genetics (formerly Invitae), Labcorp
Classification: Likely pathogenic. Last evaluated: 2024-02-25. Review status: criteria provided, single submitter. Criteria: Invitae Variant Classification Sherloc (09022015). Collection method: clinical testing. Allele origin: germline.
Comment: This sequence change replaces asparagine, which is neutral and polar, with serine, which is neutral and polar, at codon 219 of the MUT protein (p.Asn219Ser). This variant is present in population databases (no rsID available, gnomAD 0.006%). This variant has not been reported in the literature in individuals affected with MUT-related conditions. ClinVar contains an entry for this variant (Variation ID: 567826). Advanced modeling of protein sequence and biophysical properties (such as structural, functional, and spatial information, amino acid conservation, physicochemical variation, residue mobility, and thermodynamic stability) performed at Invitae indicates that this missense variant is expected to disrupt MUT protein function with a positive predictive value of 95%. This variant disrupts the p.Asn219 amino acid residue in MUT. Other variant(s) that disrupt this residue have been determined to be pathogenic (PMID: 11528502, 16281286, 17113806). This suggests that this residue is clinically significant, and that variants that disrupt this residue are likely to be disease-causing. In summary, the currently available evidence indicates that the variant is pathogenic, but additional data are needed to prove that conclusively. Therefore, this variant has been classified as Likely Pathogenic.

Natera, Inc.
Classification: Uncertain significance for Methylmalonic aciduria due to complete methylmalonyl-CoA mutase deficiency. Last evaluated: 2021-08-18. Review status: no assertion criteria provided. Collection method: clinical testing. Allele origin: germline. Not counted in ClinVar's aggregate classification.

Literature cited by the submitters: PubMed 11528502 (cited by Labcorp Genetics (formerly Invitae), Labcorp); PubMed 16281286 (cited by Labcorp Genetics (formerly Invitae), Labcorp); PubMed 17113806 (cited by Labcorp Genetics (formerly Invitae), Labcorp).